The following is an entry in ClinVar:

NM_001197104.2(KMT2A):c.3820G>T (p.Gly1274Trp)

Gene: KMT2A (lysine methyltransferase 2A; plus strand). Cytogenetic location: 11q23.3.
Variant type: single nucleotide variant.
Coding change: c.3820G>T on transcript NM_001197104.2 (MANE Select); coding-DNA position 3820, G replaced by T.
Protein change: p.Gly1274Trp; replaces glycine 1274 with tryptophan.
Molecular consequence: missense variant.
Genome position (GRCh38, 1-based): chr11:118,481,900, G>T. VCF-style: chr11-118481900-G-T. GRCh37 (hg19) VCF-style: chr11-118352615-G-T.
Other names: c.3919G>T, p.Gly1307Trp (NM_001412597.1); c.3820G>T, p.Gly1274Trp (NM_005933.4); short protein forms G1274W, G1307W.
Identifiers: ClinVar variation 3634313 (VCV003634313.2).

ClinVar aggregate classification (germline): Uncertain significance (1 of 4 stars; one submission).

gnomAD v4.1: 1 of 1,614,220 alleles (0.000062%); highest among the groups gnomAD compares: South Asian, 0.0011%; no homozygotes.

Submission:

Labcorp Genetics (formerly Invitae), Labcorp
Classification: Uncertain significance. Last evaluated: 2024-09-19. Review status: criteria provided, single submitter. Criteria: Invitae Variant Classification Sherloc (09022015). Collection method: clinical testing. Allele origin: germline.
Comment: This sequence change replaces glycine, which is neutral and non-polar, with tryptophan, which is neutral and slightly polar, at codon 1274 of the KMT2A protein (p.Gly1274Trp). This variant is present in population databases (rs781998336, gnomAD 0.003%). This variant has not been reported in the literature in individuals affected with KMT2A-related conditions. Invitae Evidence Modeling of protein sequence and biophysical properties (such as structural, functional, and spatial information, amino acid conservation, physicochemical variation, residue mobility, and thermodynamic stability) has been performed for this missense variant. However, the output from this modeling did not meet the statistical confidence thresholds required to predict the impact of this variant on KMT2A protein function. In summary, the available evidence is currently insufficient to determine the role of this variant in disease. Therefore, it has been classified as a Variant of Uncertain Significance.